The following is an entry in ClinVar:

ClinVar aggregate classification (germline): Likely benign. Review status: criteria provided, multiple submitters, no conflicts (2 of 4 stars). 4 submissions from 4 submitters: Likely benign (4). Last evaluated 2026-06-22.

Conditions:
Hereditary cancer-predisposing syndrome. Also called: Hereditary Cancer Syndrome; Hereditary neoplastic syndrome; Neoplastic Syndromes, Hereditary; Tumor predisposition. Identifiers: Orphanet 140162, MedGen C0027672, MeSH D009386, MONDO:0015356.
Retinoblastoma (RB1). Also called: RETINOBLASTOMA, SOMATIC. Identifiers: Orphanet 790, MedGen C0035335, MeSH D012175, MONDO:0008380, OMIM 180200, HP:0009919. Disease mechanism: loss of function. Inheritance: Both sporadic and heritable forms are tested..

Allele frequency attached by ClinVar (database versions not stated): gnomAD exomes below 0.00001.
gnomAD v4.1: 1 of 1,613,912 alleles (0.000062%); no homozygotes.

Submissions (4):

Myriad Genetics, Inc.
Classification: Likely benign for Retinoblastoma. Last evaluated: 2026-06-22. Review status: criteria provided, single submitter. Criteria: Myriad Autosomal Dominant, Autosomal Recessive and X-Linked Classification Criteria (2023). Collection method: clinical testing. Allele origin: unknown.
Comment: This variant is considered likely benign. This variant is intronic and is not expected to impact mRNA splicing.

Labcorp Genetics (formerly Invitae), Labcorp
Classification: Likely benign for Retinoblastoma. Last evaluated: 2025-07-07. Review status: criteria provided, single submitter. Criteria: Invitae Variant Classification Sherloc (09022015). Collection method: clinical testing. Allele origin: germline.

Ambry Genetics
Classification: Likely benign for Hereditary cancer-predisposing syndrome. Last evaluated: 2025-03-28. Review status: criteria provided, single submitter. Criteria: Ambry Variant Classification Scheme 2023. Collection method: clinical testing. Allele origin: germline.

All of Us Research Program, National Institutes of Health
Classification: Likely benign for Retinoblastoma. Last evaluated: 2023-12-13. Review status: criteria provided, single submitter. Criteria: ACMG Guidelines, 2015. Collection method: clinical testing. Allele origin: germline. Inheritance: Autosomal dominant inheritance. Observed: 1 variant allele, 1 heterozygote.
Comment: This study involves interpretation of variants in research participants for the purpose of population health screening. Participant phenotype was not available at the time of variant classification. Additional details can be found in publication PMID: 35346344, PMCID: PMC8962531

NM_000321.3(RB1):c.1815-4C>T

Gene: RB1 (RB transcriptional corepressor 1; plus strand). Cytogenetic location: 13q14.2.
Variant type: single nucleotide variant.
Coding change: c.1815-4C>T on transcript NM_000321.3 (MANE Select); 4 bases into the intron before coding-DNA position 1815, C replaced by T.
Molecular consequence: intron variant.
Genome position (GRCh38, 1-based): chr13:48,456,200, C>T. VCF-style: chr13-48456200-C-T. GRCh37 (hg19) VCF-style: chr13-49030336-C-T.
Identifiers: ClinVar variation 702957 (VCV000702957.13), dbSNP rs1593531868, ClinGen allele CA915948562.